The following is an entry in ClinVar:

ClinVar aggregate classification (germline): Pathogenic/Likely pathogenic. Review status: criteria provided, multiple submitters, no conflicts (2 of 4 stars). 3 submissions from 3 submitters: Pathogenic (2); Likely pathogenic (1). Last evaluated 2024-11-19.

Conditions:
Actin accumulation myopathy (CMYO2A). Also called: CONGENITAL MYOPATHY 2A, TYPICAL, AUTOSOMAL DOMINANT; Nemaline myopathy type 3; Myopathy, actin, congenital, with excess of thin myofilaments; Myopathy, actin, congenital, with cores; Nemaline myopathy 3, with intranuclear rods. Identifiers: Orphanet 98904, MedGen C3711389, MONDO:0008070, OMIM 161800.
ACTA1-related disorder. Also called: ACTA1-related condition.

Submissions (3):

PreventionGenetics, part of Exact Sciences
Classification: Pathogenic for ACTA1-related condition. Last evaluated: 2024-11-19. Review status: criteria provided, single submitter. Criteria: ACMG Guidelines, 2015. Collection method: clinical testing. Allele origin: germline.
Comment: The ACTA1 c.419C>A variant is predicted to result in the amino acid substitution p.Ala140Asp. This variant was reported with de novo occurrence in an individual with nemaline myopathy (Laing et al. 2009. PubMed ID: 19562689). This variant has not been reported in a large population database (gnomAD), indicating it is rare. A different missense substitution affecting the same amino acid (p.Ala140Pro, reported with legacy nomenclature as p.Ala138Pro) was also reported de novo in an individual with nemaline myopathy (Sparrow et al. 2003. PubMed ID: 12921789). Taken together, the c.419C>A (p.Ala140Asp) variant is interpreted as pathogenic.

Labcorp Genetics (formerly Invitae), Labcorp
Classification: Pathogenic for Actin accumulation myopathy. Last evaluated: 2021-08-15. Review status: criteria provided, single submitter. Criteria: Invitae Variant Classification Sherloc (09022015). Collection method: clinical testing. Allele origin: germline.
Comment: This sequence change replaces alanine with aspartic acid at codon 140 of the ACTA1 protein (p.Ala140Asp). The alanine residue is highly conserved and there is a moderate physicochemical difference between alanine and aspartic acid. This variant is not present in population databases (ExAC no frequency). This missense change has been observed in individual(s) with autosomal dominant nemaline myopathy (PMID: 19562689). In at least one individual the variant was observed to be de novo. Advanced modeling of protein sequence and biophysical properties (such as structural, functional, and spatial information, amino acid conservation, physicochemical variation, residue mobility, and thermodynamic stability) performed at Invitae indicates that this missense variant is expected to disrupt ACTA1 protein function. This variant disrupts the p.Ala140 amino acid residue in ACTA1. Other variant(s) that disrupt this residue have been determined to be pathogenic (Invitae). This suggests that this residue is clinically significant, and that variants that disrupt this residue are likely to be disease-causing. For these reasons, this variant has been classified as Pathogenic.

CENTOGENE GmbH and LLC - Guiding Precision Medicine
Classification: Likely pathogenic for Actin accumulation myopathy. Last evaluated: 2021-01-04. Review status: criteria provided, single submitter. Criteria: ACMG Guidelines, 2015. Collection method: clinical testing. Allele origin: germline. Affected: yes.

Literature cited by the submitters: PubMed 19562689 (cited by Labcorp Genetics (formerly Invitae), Labcorp).

NM_001100.4(ACTA1):c.419C>A (p.Ala140Asp)

Gene: ACTA1 (actin alpha 1, skeletal muscle; minus strand). Cytogenetic location: 1q42.13.
Variant type: single nucleotide variant.
Coding change: c.419C>A on transcript NM_001100.4 (MANE Select); coding-DNA position 419, C replaced by A.
Protein change: p.Ala140Asp; replaces alanine 140 with aspartic acid.
Molecular consequence: missense variant.
Genome position (GRCh38, 1-based): chr1:229,432,591, G>T on the plus strand (C>A on the coding strand, the complement: ACTA1 is on the minus strand). VCF-style: chr1-229432591-G-T. GRCh37 (hg19) VCF-style: chr1-229568338-G-T.
Other names: short protein forms A140D.
Identifiers: ClinVar variation 1333773 (VCV001333773.8), dbSNP rs1435160117, ClinGen allele CA345149246.